The following is an entry in ClinVar:

NM_014679.5(CEP57):c.1174G>A (p.Glu392Lys)

Gene: CEP57 (centrosomal protein 57; plus strand). Cytogenetic location: 11q21.
Variant type: single nucleotide variant.
Coding change: c.1174G>A on transcript NM_014679.5 (MANE Select); coding-DNA position 1174, G replaced by A.
Protein change: p.Glu392Lys; replaces glutamic acid 392 with lysine.
Molecular consequence: missense variant.
Genome position (GRCh38, 1-based): chr11:95,829,233, G>A. VCF-style: chr11-95829233-G-A. GRCh37 (hg19) VCF-style: chr11-95562397-G-A.
Other names: c.1174G>A (NM_014679.4); c.1147G>A, p.Glu383Lys (NM_001243776.2); c.1096G>A, p.Glu366Lys (NM_001243777.2); c.1093G>A, p.Glu365Lys (NM_001363604.2); short protein forms E366K, E383K, E365K, E392K.
Identifiers: ClinVar variation 1442972 (VCV001442972.9), dbSNP rs747350287, ClinGen allele CA6239728.

ClinVar aggregate classification (germline): Uncertain significance. Review status: criteria provided, multiple submitters, no conflicts (2 of 4 stars). 2 submissions from 2 submitters: Uncertain significance (2). Last evaluated 2025-01-08.

Conditions:
Inborn genetic diseases. Identifiers: MedGen C0950123, MeSH D030342.
Mosaic variegated aneuploidy syndrome 2 (MVA2). Identifiers: Orphanet 1052, MedGen C3279843, MONDO:0013582, OMIM 614114.

Allele frequency attached by ClinVar (database versions not stated): gnomAD exomes below 0.00001; TOPMed below 0.00001; ExAC 0.00001; gnomAD 0.00001.

Submissions (2):

Ambry Genetics
Classification: Uncertain significance for Inborn genetic diseases. Last evaluated: 2025-01-08. Review status: criteria provided, single submitter. Criteria: Ambry Variant Classification Scheme 2023. Collection method: clinical testing. Allele origin: germline.
Comment: The p.E392K variant (also known as c.1174G>A), located in coding exon 10 of the CEP57 gene, results from a G to A substitution at nucleotide position 1174. The glutamic acid at codon 392 is replaced by lysine, an amino acid with similar properties. This amino acid position is conserved. In addition, this alteration is predicted to be tolerated by in silico analysis. Based on the available evidence, the clinical significance of this variant remains unclear.

Labcorp Genetics (formerly Invitae), Labcorp
Classification: Uncertain significance for Mosaic variegated aneuploidy syndrome 2. Last evaluated: 2024-03-24. Review status: criteria provided, single submitter. Criteria: Invitae Variant Classification Sherloc (09022015). Collection method: clinical testing. Allele origin: germline.
Comment: This sequence change replaces glutamic acid, which is acidic and polar, with lysine, which is basic and polar, at codon 392 of the CEP57 protein (p.Glu392Lys). This variant is present in population databases (rs747350287, gnomAD 0.0009%). This variant has not been reported in the literature in individuals affected with CEP57-related conditions. ClinVar contains an entry for this variant (Variation ID: 1442972). Advanced modeling of protein sequence and biophysical properties (such as structural, functional, and spatial information, amino acid conservation, physicochemical variation, residue mobility, and thermodynamic stability) performed at Invitae indicates that this missense variant is not expected to disrupt CEP57 protein function with a negative predictive value of 80%. In summary, the available evidence is currently insufficient to determine the role of this variant in disease. Therefore, it has been classified as a Variant of Uncertain Significance.